The following is an entry in ClinVar:

ClinVar aggregate classification (germline): Benign (1 of 4 stars; one submission).

Conditions:
Papillary renal cell carcinoma type 1 (RCCP1). Also called: Renal adenocarcinoma; Renal cell carcinoma 1; Renal cell carcinoma, somatic; RENAL CELL CARCINOMA, PAPILLARY, 1, SOMATIC. Identifiers: Orphanet 47044, MedGen C1336839, OMIM 605074, HP:0011797.

gnomAD v4.1: 1 of 1,610,992 alleles (0.000062%); highest among the groups gnomAD compares: Non-Finnish European, 0.000085%; no homozygotes.

Submission:

Myriad Genetics, Inc.
Classification: Benign for Papillary renal cell carcinoma type 1. Last evaluated: 2024-11-15. Review status: criteria provided, single submitter. Criteria: Myriad Autosomal Dominant, Autosomal Recessive and X-Linked Classification Criteria (2023). Collection method: clinical testing. Allele origin: unknown.
Comment: This variant is considered benign. This variant occurs in the non-coding 3' untranslated region of the gene, and is not expected to impact protein function.

NM_000245.4(MET):c.*9C>T

Gene: MET (MET proto-oncogene, receptor tyrosine kinase; plus strand). Cytogenetic location: 7q31.2.
Variant type: single nucleotide variant.
Coding change: c.*9C>T on transcript NM_000245.4 (MANE Select); 9 bases downstream of the stop codon, C replaced by T.
Molecular consequence: 3 prime UTR variant.
Genome position (GRCh38, 1-based): chr7:116,796,133, C>T. VCF-style: chr7-116796133-C-T. GRCh37 (hg19) VCF-style: chr7-116436187-C-T.
Other names: c.*9C>T (NM_001127500.3, NM_001324402.2).
Identifiers: ClinVar variation 3773028 (VCV003773028.1).